The following is an entry in ClinVar:

NM_173689.7(CRB2):c.310C>T (p.Arg104Cys)

Gene: CRB2 (crumbs cell polarity complex component 2; plus strand). Cytogenetic location: 9q33.3.
Variant type: single nucleotide variant.
Coding change: c.310C>T on transcript NM_173689.7 (MANE Select); coding-DNA position 310, C replaced by T.
Protein change: p.Arg104Cys; replaces arginine 104 with cysteine.
Molecular consequence: missense variant.
Genome position (GRCh38, 1-based): chr9:123,363,080, C>T. VCF-style: chr9-123363080-C-T. GRCh37 (hg19) VCF-style: chr9-126125359-C-T.
Other names: short protein forms R104C.
Identifiers: ClinVar variation 725500 (VCV000725500.9), dbSNP rs200091031, ClinGen allele CA5231602.

ClinVar aggregate classification (germline): Conflicting classifications of pathogenicity. Review status: criteria provided, conflicting classifications (1 of 4 stars). 3 submissions from 3 submitters: Uncertain significance (1); Likely benign (1). 1 of the submissions does not count toward it. Last evaluated 2025-12-03.

Conditions:
CRB2-related disorder. Also called: CRB2-related disorders; CRB2-related condition.

Allele frequency attached by ClinVar (database versions not stated): 1000 Genomes Project 0.00020; TOPMed 0.00020; gnomAD 0.00021 and 0.00022; ExAC 0.00028; 1000 Genomes Project 30x 0.00031; gnomAD exomes 0.00035.
gnomAD v4.1: 172 of 1,611,620 alleles (0.011%); highest among the groups gnomAD compares: Admixed American, 0.21%; no homozygotes.

Submissions (3):

Labcorp Genetics (formerly Invitae), Labcorp
Classification: Likely benign. Last evaluated: 2025-12-03. Review status: criteria provided, single submitter. Criteria: Invitae Variant Classification Sherloc (09022015). Collection method: clinical testing. Allele origin: germline.

GeneDx
Classification: Uncertain significance. Last evaluated: 2023-07-19. Review status: criteria provided, single submitter. Criteria: GeneDx Variant Classification Process June 2021. Collection method: clinical testing. Allele origin: germline. Affected: yes.
Comment: In silico analysis supports that this missense variant has a deleterious effect on protein structure/function; Has not been previously published as pathogenic or benign to our knowledge

PreventionGenetics, part of Exact Sciences
Classification: Likely benign for CRB2-related condition. Last evaluated: 2024-05-08. Review status: no assertion criteria provided. Collection method: clinical testing. Allele origin: germline. Not counted in ClinVar's aggregate classification.
Comment: This variant is classified as likely benign based on ACMG/AMP sequence variant interpretation guidelines (Richards et al. 2015 PMID: 25741868, with internal and published modifications).